The following is an entry in ClinVar:

ClinVar aggregate classification (germline): Uncertain significance. Review status: criteria provided, multiple submitters, no conflicts (2 of 4 stars). 2 submissions from 2 submitters: Uncertain significance (2). Last evaluated 2025-02-06.

Conditions:
Inborn genetic diseases. Identifiers: MedGen C0950123, MeSH D030342.
Baller-Gerold syndrome (BGS). Also called: CRANIOSYNOSTOSIS WITH RADIAL DEFECTS. Identifiers: Orphanet 1225, MedGen C0265308, MONDO:0009039, OMIM 218600.

Allele frequency attached by ClinVar (database versions not stated): gnomAD exomes below 0.00001; TOPMed below 0.00001; gnomAD 0.00003.
gnomAD v4.1: 6 of 1,545,392 alleles (0.00039%); highest among the groups gnomAD compares: African/African-American, 0.0083%; no homozygotes.

Submissions (2):

Ambry Genetics
Classification: Uncertain significance for Inborn genetic diseases. Last evaluated: 2025-02-06. Review status: criteria provided, single submitter. Criteria: Ambry Variant Classification Scheme 2023. Collection method: clinical testing. Allele origin: germline.
Comment: The p.D685G variant (also known as c.2054A>G), located in coding exon 12 of the RECQL4 gene, results from an A to G substitution at nucleotide position 2054. The aspartic acid at codon 685 is replaced by glycine, an amino acid with similar properties. This amino acid position is conserved. In addition, this alteration is predicted to be tolerated by in silico analysis. Based on the available evidence, the clinical significance of this variant remains unclear.

Labcorp Genetics (formerly Invitae), Labcorp
Classification: Uncertain significance for Baller-Gerold syndrome. Last evaluated: 2020-03-09. Review status: criteria provided, single submitter. Criteria: Invitae Variant Classification Sherloc (09022015). Collection method: clinical testing. Allele origin: germline.
Comment: This variant has not been reported in the literature in individuals with RECQL4-related conditions. In summary, the available evidence is currently insufficient to determine the role of this variant in disease. Therefore, it has been classified as a Variant of Uncertain Significance. Experimental studies and prediction algorithms are not available or were not evaluated, and the functional significance of this variant is currently unknown. This variant is not present in population databases (ExAC no frequency). This sequence change replaces aspartic acid with glycine at codon 685 of the RECQL4 protein (p.Asp685Gly). The aspartic acid residue is highly conserved and there is a moderate physicochemical difference between aspartic acid and glycine.

NM_004260.4(RECQL4):c.2054A>G (p.Asp685Gly)

Gene: RECQL4 (RecQ like helicase 4; minus strand). Cytogenetic location: 8q24.3.
Variant type: single nucleotide variant.
Coding change: c.2054A>G on transcript NM_004260.4 (MANE Select); coding-DNA position 2054, A replaced by G.
Protein change: p.Asp685Gly; replaces aspartic acid 685 with glycine.
Molecular consequence: missense variant.
Genome position (GRCh38, 1-based): chr8:144,513,932, T>C on the plus strand (A>G on the coding strand, the complement: RECQL4 is on the minus strand). VCF-style: chr8-144513932-T-C. GRCh37 (hg19) VCF-style: chr8-145739316-T-C.
Other names: c.2054A>G (NM_004260.3); short protein forms D685G.
Identifiers: ClinVar variation 1034778 (VCV001034778.4), dbSNP rs985330329, ClinGen allele CA187684304.
Genomic context (GRCh38, chr8:144,513,932, plus strand): 5'-GGCGTGGGCAGTCAGCAGCCAGGGCCCTGCAGGGTCCCCAGAGCACACACACCCACCTGG[T>C]CTGTGTCCCTGTCCATGGACACGGAAAGGTGCAGGTTGGTGGGAACTGGGGCTGGCCCGT-3'
Protein context (NP_004251.4, residues 675-695): HLSVSMDRDT[Asp685Gly]QALLTLLQGK